The following is an entry in ClinVar:

ClinVar aggregate classification (germline): Uncertain significance (1 of 4 stars; one submission).

Conditions:
Snijders Blok-Campeau syndrome. Also called: INTELLECTUAL DEVELOPMENTAL DISORDER WITH MACROCEPHALY, SPEECH DELAY, AND DYSMORPHIC FACIES. Identifiers: Orphanet 599082, MedGen C4748701, MONDO:0032600, OMIM 618205.

gnomAD v4.1: 1 of 1,614,168 alleles (0.000062%); highest among the groups gnomAD compares: Non-Finnish European, 0.000085%; no homozygotes.

Submission:

MVZ Martinsried, Medicover Genetics
Classification: Uncertain significance for Snijders Blok-Campeau syndrome. Last evaluated: 2025-10-16. Review status: criteria provided, single submitter. Criteria: ClinGen Variant Curation SOP V3.2 + Classification Guidance July2025. Collection method: clinical testing. Allele origin: unknown. Affected: yes. Observed: 1 heterozygote.
Comment: PM2_Supporting, PP2, PP3

NM_001005273.3(CHD3):c.4318C>G (p.Leu1440Val)

Gene: CHD3 (chromodomain helicase DNA binding protein 3; plus strand). Cytogenetic location: 17p13.1.
Variant type: single nucleotide variant.
Coding change: c.4318C>G on transcript NM_001005273.3 (MANE Select); coding-DNA position 4318, C replaced by G.
Protein change: p.Leu1440Val; replaces leucine 1440 with valine.
Molecular consequence: missense variant.
Genome position (GRCh38, 1-based): chr17:7,905,949, C>G. VCF-style: chr17-7905949-C-G. GRCh37 (hg19) VCF-style: chr17-7809267-C-G.
Other names: c.4495C>G, p.Leu1499Val (NM_001005271.3, NM_001437504.1); c.4483C>G, p.Leu1495Val (NM_001437507.1, NM_001437508.1, NM_001437509.1); c.4318C>G, p.Leu1440Val (NM_005852.4); short protein forms L1440V, L1495V, L1499V.
Identifiers: ClinVar variation 4526628 (VCV004526628.2).